The following is an entry in ClinVar:

ClinVar aggregate classification (germline): Conflicting classifications of pathogenicity. Review status: criteria provided, conflicting classifications (1 of 4 stars). 4 submissions from 3 submitters: Uncertain significance (3); Benign (1). Last evaluated 2025-09-01.

Conditions:
Stickler syndrome type 2 (STL2). Also called: STICKLER SYNDROME, TYPE II; STICKLER SYNDROME, BEADED VITREOUS TYPE; STICKLER SYNDROME, VITREOUS TYPE 2; COL11A1-Related Stickler Syndrome. Identifiers: Orphanet 828, Orphanet 90654, MedGen C1858084, MONDO:0011493, OMIM 604841.
Fibrochondrogenesis 1 (FBCG1). Identifiers: Orphanet 2021, MedGen C3278138, MONDO:0009226, OMIM 228520.

Allele frequency attached by ClinVar (database versions not stated): gnomAD exomes 0.00001; TOPMed 0.00002; 1000 Genomes Project 0.00020; 1000 Genomes Project 30x 0.00031.
gnomAD v4.1: 21 of 1,613,948 alleles (0.0013%); highest among the groups gnomAD compares: East Asian, 0.011%; no homozygotes.

Submissions (4):

Labcorp Genetics (formerly Invitae), Labcorp
Classification: Benign. Last evaluated: 2025-09-01. Review status: criteria provided, single submitter. Criteria: Invitae Variant Classification Sherloc (09022015). Collection method: clinical testing. Allele origin: germline.

GeneDx
Classification: Uncertain significance. Last evaluated: 2023-01-25. Review status: criteria provided, single submitter. Criteria: GeneDx Variant Classification Process June 2021. Collection method: clinical testing. Allele origin: germline. Affected: yes.
Comment: Has not been previously published as pathogenic or benign to our knowledge; In silico analysis supports that this missense variant does not alter protein structure/function

Illumina Laboratory Services, Illumina
Classification: Uncertain significance for Stickler syndrome type 2. Last evaluated: 2018-01-12. Review status: criteria provided, single submitter. Criteria: ICSL Variant Classification Criteria 13 December 2019. Collection method: clinical testing. Allele origin: germline.

Illumina Laboratory Services, Illumina
Classification: Uncertain significance for Fibrochondrogenesis 1. Last evaluated: 2018-01-12. Review status: criteria provided, single submitter. Criteria: ICSL Variant Classification Criteria 13 December 2019. Collection method: clinical testing. Allele origin: germline.

NM_001854.4(COL11A1):c.4805A>G (p.Asn1602Ser)

Gene: COL11A1 (collagen type XI alpha 1 chain; minus strand). Cytogenetic location: 1p21.1.
Variant type: single nucleotide variant.
Coding change: c.4805A>G on transcript NM_001854.4 (MANE Select); coding-DNA position 4805, A replaced by G.
Protein change: p.Asn1602Ser; replaces asparagine 1602 with serine.
Molecular consequence: missense variant. On other transcripts: non-coding transcript variant (1).
Genome position (GRCh38, 1-based): chr1:102,886,860, T>C on the plus strand (A>G on the coding strand, the complement: COL11A1 is on the minus strand). VCF-style: chr1-102886860-T-C. GRCh37 (hg19) VCF-style: chr1-103352416-T-C.
Other names: c.4688A>G, p.Asn1563Ser (NM_001190709.2); c.4841A>G, p.Asn1614Ser (NM_080629.3); c.4457A>G, p.Asn1486Ser (NM_080630.4); short protein forms N1602S, N1614S, N1486S, N1563S.
Identifiers: ClinVar variation 291495 (VCV000291495.14), dbSNP rs75495145, ClinGen allele CA973405.